The following is an entry in ClinVar:

ClinVar aggregate classification (germline): Uncertain significance (1 of 4 stars; one submission).

Submission:

ARUP Laboratories, Molecular Genetics and Genomics, ARUP Laboratories
Classification: Uncertain significance. Last evaluated: 2023-10-31. Review status: criteria provided, single submitter. Criteria: ARUP Molecular Germline Variant Investigation Process 2024. Collection method: clinical testing. Allele origin: germline.
Comment: The PLCG2 c.3571-3C>G variant, to our knowledge, is not reported in the medical literature or gene specific databases. This variant is also absent from the Genome Aggregation Database, indicating it is not a common polymorphism. This is an intronic variant in a weakly conserved nucleotide, but computational analyses (Alamut Visual Plus v.1.5.1) predict that this variant may impact splicing by weakening the nearby canonical acceptor splice site. However, given the lack of clinical and functional data, the significance of this variant is uncertain at this time.

NM_002661.5(PLCG2):c.3571-3C>G

Gene: PLCG2 (phospholipase C gamma 2; plus strand). Cytogenetic location: 16q23.3.
Variant type: single nucleotide variant.
Coding change: c.3571-3C>G on transcript NM_002661.5 (MANE Select); 3 bases into the intron before coding-DNA position 3571, C replaced by G.
Molecular consequence: intron variant.
Genome position (GRCh38, 1-based): chr16:81,956,692, C>G. VCF-style: chr16-81956692-C-G. GRCh37 (hg19) VCF-style: chr16-81990297-C-G.
Identifiers: ClinVar variation 2921141 (VCV002921141.1), dbSNP rs2507821910, ClinGen allele CA2739266915.